The following is an entry in ClinVar:

NM_002474.3(MYH11):c.1129+49T>G

Gene: MYH11 (myosin heavy chain 11; minus strand). Cytogenetic location: 16p13.11.
Variant type: single nucleotide variant.
Coding change: c.1129+49T>G on transcript NM_002474.3 (MANE Select); 49 bases into the intron after coding-DNA position 1129, T replaced by G.
Molecular consequence: intron variant.
Genome position (GRCh38, 1-based): chr16:15,763,747, A>C on the plus strand (T>G on the coding strand, the complement: MYH11 is on the minus strand). VCF-style: chr16-15763747-A-C. GRCh37 (hg19) VCF-style: chr16-15857604-A-C.
Other names: c.1129+49T>G (NM_022844.3); c.1150+49T>G (NM_001040114.2, NM_001040113.2).
Identifiers: ClinVar variation 672365 (VCV000672365.2), dbSNP rs1362071381, ClinGen allele CA7922705.

ClinVar aggregate classification (germline): Benign. Review status: criteria provided, multiple submitters, no conflicts (2 of 4 stars). 2 submissions from 2 submitters: Benign (2). Last evaluated 2018-06-14.

Allele frequency attached by ClinVar (database versions not stated): ExAC 0.04471; gnomAD exomes 0.15820.

Submissions (2):

GeneDx
Classification: Benign. Last evaluated: 2018-06-14. Review status: criteria provided, single submitter. Criteria: GeneDx Variant Classification (06012015). Collection method: clinical testing. Allele origin: germline. Affected: yes.
Comment: This variant is considered likely benign or benign based on one or more of the following criteria: it is a conservative change, it occurs at a poorly conserved position in the protein, it is predicted to be benign by multiple in silico algorithms, and/or has population frequency not consistent with disease.

Breakthrough Genomics
Classification: Benign. Review status: criteria provided, single submitter. Criteria: ACMG Guidelines, 2015. Collection method: not provided. Allele origin: germline. Inheritance: Autosomal recessive inheritance. Affected: yes.